The following is an entry in ClinVar:

NM_002202.3(ISL1):c.819C>T (p.His273=)

Gene: ISL1 (ISL LIM homeobox 1; plus strand). Cytogenetic location: 5q11.1.
Variant type: single nucleotide variant.
Coding change: c.819C>T on transcript NM_002202.3 (MANE Select); coding-DNA position 819, C replaced by T.
Protein change: p.His273=; no amino-acid change (histidine 273 retained).
Molecular consequence: synonymous variant.
Genome position (GRCh38, 1-based): chr5:51,391,327, C>T. VCF-style: chr5-51391327-C-T. GRCh37 (hg19) VCF-style: chr5-50687161-C-T.
Identifiers: ClinVar variation 3355552 (VCV003355552.1).
Genomic context (GRCh38, chr5:51,391,327, plus strand): 5'-TTCACAGAATATCCAGGGGATGACAGGAACTCCCATGGTGGCTGCCAGTCCAGAGAGACA[C>T]GACGGTGGCTTACAGGCTAACCCAGTGGAAGTACAAAGTTACCAGCCACCTTGGAAAGTA-3'
Protein context (NP_002193.2, residues 263-283): TPMVAASPER[His273=]DGGLQANPVE

ClinVar aggregate classification (germline): Likely benign (0 of 4 stars; one submission).

Conditions:
ISL1-related disorder. Also called: ISL1-related condition.

gnomAD v4.1: 11 of 1,613,750 alleles (0.00068%); highest among the groups gnomAD compares: East Asian, 0.0022%; no homozygotes.

Submission:

PreventionGenetics, part of Exact Sciences
Classification: Likely benign for ISL1-related condition. Last evaluated: 2022-03-09. Review status: no assertion criteria provided. Collection method: clinical testing. Allele origin: germline.
Comment: This variant is classified as likely benign based on ACMG/AMP sequence variant interpretation guidelines (Richards et al. 2015 PMID: 25741868, with internal and published modifications).